The following is an entry in ClinVar:

ClinVar aggregate classification (germline): Pathogenic (1 of 4 stars; one submission).

Conditions:
Neuromuscular disease caused by qualitative or quantitative defects of dystrophin. Also called: Qualitative or quantitative defects of dystrophin. Identifiers: Orphanet 207085, MedGen C5679787, MONDO:0016147.

Submission:

Women's Health and Genetics/Laboratory Corporation of America, LabCorp
Classification: Pathogenic for Neuromuscular disease caused by qualitative or quantitative defects of dystrophin. Last evaluated: 2026-01-23. Review status: criteria provided, single submitter. Criteria: LabCorp Variant Classification Summary - May 2015. Collection method: clinical testing. Allele origin: germline.
Comment: Variant summary: The variant involves the deletion of exons 44-47 in the DMD gene. This Copy Number Variant (CNV) is expected to alter the reading frame and predicted to result in a truncation or absence of the encoded protein due to nonsense mediated decay (NMD). Loss-of-function variants in this gene are known to be pathogenic. A presumed nomenclature of c.(6290+1_6291-1)_(6912+1_6913-1)del has been designated for the purposes of this classification. The variant was absent in 16120 control chromosomes. c.(6290+1_6291-1)_(6912+1_6913-1)del has been observed in individual(s) affected with Dystrophinopathies (example: Oshima_2009). The following publication has been ascertained in the context of this evaluation (PMID: 19449031). ClinVar contains an entry for this variant (Variation ID: 526147). Based on the evidence outlined above, the variant was classified as pathogenic.

Literature cited by the submitters: PubMed 19449031.

NC_000023.10:g.(31893491_31947712)_(32235181_32305645)del

Gene: DMD (dystrophin; minus strand). Cytogenetic location: Xp21.1.
Variant type: Deletion.
Identifiers: ClinVar variation 4689743 (VCV004689743.1).